The following is an entry in ClinVar:

ClinVar aggregate classification (germline): Pathogenic/Likely pathogenic. Review status: criteria provided, multiple submitters, no conflicts (2 of 4 stars). 4 submissions from 4 submitters: Pathogenic (3); Likely pathogenic (1). Last evaluated 2024-06-24.

Conditions:
Mucolipidosis type II. Also called: ML II ALPHA/BETA; Mucolipidosis II Alpha/Beta; Mucolipidosis 2; ML 2; Inclusion cell disease; Leroy Disease. Identifiers: Orphanet 576, MedGen C2673377, MONDO:0009650, OMIM 252500.
Pseudo-Hurler polydystrophy. Also called: ML III; ML III ALPHA/BETA; Type III Mucolipidosis; ML IIIA; MUCOLIPIDOSIS IIIA; Mucolipidosis III Alpha/Beta. Identifiers: Orphanet 423461, Orphanet 577, MedGen C0033788, MONDO:0018931, OMIM 252600.

Allele frequency attached by ClinVar (database versions not stated): TOPMed below 0.00001.

Submissions (4):

Fulgent Genetics
Classification: Pathogenic for Mucolipidosis type II; Pseudo-Hurler polydystrophy. Last evaluated: 2024-06-24. Review status: criteria provided, single submitter. Criteria: ACMG Guidelines, 2015. Collection method: clinical testing. Allele origin: germline.

Natera, Inc.
Classification: Pathogenic for Mucolipidosis type II. Last evaluated: 2024-03-29. Review status: criteria provided, single submitter. Criteria: Natera Variant Classification Schema (03/2026). Collection method: clinical testing. Allele origin: germline.
Comment: The c.1284+1G>T variant in GNPTAB is a canonical splice donor site variant predicted to affect pre-mRNA splicing, which may result in an abnormal transcript and altered protein product. This variant is expected to result in nonsense mediated decay, truncation, or a dysfunctional protein product. This variant is rare in the general population with a frequency below the threshold expected for the associated phenotype(s). This variant has been observed in one or more individuals affected with the associated recessive disease, as either homozygous or compound heterozygous with a second variant (PMID: 31603145, 35463894). Given the available evidence, this variant is classified as Pathogenic.

Labcorp Genetics (formerly Invitae), Labcorp
Classification: Likely pathogenic for Pseudo-Hurler polydystrophy; Mucolipidosis type II. Last evaluated: 2022-03-03. Review status: criteria provided, single submitter. Criteria: Invitae Variant Classification Sherloc (09022015). Collection method: clinical testing. Allele origin: germline.
Comment: This sequence change affects a donor splice site in intron 10 of the GNPTAB gene. RNA analysis indicates that disruption of this splice site induces altered splicing and likely results in a shortened protein product. In summary, the currently available evidence indicates that the variant is pathogenic, but additional data are needed to prove that conclusively. Therefore, this variant has been classified as Likely Pathogenic. Studies have shown that disruption of this splice site results in skipping of exon 10, but is expected to preserve the integrity of the reading-frame (PMID: 31603145). Disruption of this splice site has been observed in individual(s) with mucolipidosis (PMID: 31603145). In at least one individual the data is consistent with being in trans (on the opposite chromosome) from a pathogenic variant. This variant is not present in population databases (gnomAD no frequency).

Juno Genomics, Hangzhou Juno Genomics, Inc
Classification: Pathogenic for Mucolipidosis type II; Pseudo-Hurler polydystrophy. Review status: criteria provided, single submitter. Criteria: ACMG Guidelines, 2015. Collection method: clinical testing. Allele origin: germline.
Comment: Absent from controls (or at extremely low frequency if recessive) in Genome Aggregation Database.;For recessive disorders, detected in trans with a pathogenic variant.;Patient's phenotype or family history is highly specific for a disease with a single genetic etiology.;Null variant in a gene where loss of function (LOF) is a known mechanism of disease.

Literature cited by the submitters: PubMed 31603145 (cited by Natera, Inc. and Labcorp Genetics (formerly Invitae), Labcorp); PubMed 35463894 (cited by Natera, Inc.).

NM_024312.5(GNPTAB):c.1284+1G>T

Gene: GNPTAB (N-acetylglucosamine-1-phosphate transferase subunits alpha and beta; minus strand). Cytogenetic location: 12q23.2.
Variant type: single nucleotide variant.
Coding change: c.1284+1G>T on transcript NM_024312.5 (MANE Select); the canonical splice donor site of the intron after coding-DNA position 1284, G replaced by T.
Molecular consequence: splice donor variant.
Genome position (GRCh38, 1-based): chr12:101,770,020, C>A on the plus strand (G>T on the coding strand, the complement: GNPTAB is on the minus strand). VCF-style: chr12-101770020-C-A. GRCh37 (hg19) VCF-style: chr12-102163798-C-A.
Other names: c.1284+1G>T (NM_024312.4).
Identifiers: ClinVar variation 1515706 (VCV001515706.14), dbSNP rs1256349457, ClinGen allele CA386302320.
Genomic context (GRCh38, chr12:101,770,020, plus strand): 5'-CATTTTCTGATTTGCTAAGTGACTTCCACGCTAGACAACCCCCCTCCTCTTAGGCACTCA[C>A]CTTCTGGCCTTTGGAGTGACTGTAAAAATCATCTGGCCAGACATCCTTCCCAAACATGAC-3'